The following is an entry in ClinVar:

ClinVar aggregate classification (germline): Benign/Likely benign. Review status: criteria provided, multiple submitters, no conflicts (2 of 4 stars). 3 submissions from 3 submitters: Benign (1); Likely benign (2). Last evaluated 2024-09-13.

Conditions:
Hereditary diffuse gastric adenocarcinoma (HDGC). Also called: DIFFUSE GASTRIC AND LOBULAR BREAST CANCER SYNDROME. Identifiers: Orphanet 26106, MedGen C1708349, MONDO:0007648, OMIM 137215.
Hereditary cancer-predisposing syndrome. Also called: Neoplastic Syndromes, Hereditary; Hereditary Cancer Syndrome; Hereditary neoplastic syndrome; Tumor predisposition. Identifiers: Orphanet 140162, MedGen C0027672, MeSH D009386, MONDO:0015356.

Submissions (3):

Myriad Genetics, Inc.
Classification: Benign for Hereditary diffuse gastric adenocarcinoma. Last evaluated: 2024-09-13. Review status: criteria provided, single submitter. Criteria: Myriad Autosomal Dominant, Autosomal Recessive and X-Linked Classification Criteria (2023). Collection method: clinical testing. Allele origin: unknown.
Comment: This variant is considered benign. This variant is a silent/synonymous amino acid change and it is not expected to impact splicing.

Labcorp Genetics (formerly Invitae), Labcorp
Classification: Likely benign for Hereditary diffuse gastric adenocarcinoma. Last evaluated: 2022-03-02. Review status: criteria provided, single submitter. Criteria: Invitae Variant Classification Sherloc (09022015). Collection method: clinical testing. Allele origin: germline.

Ambry Genetics
Classification: Likely benign for Hereditary cancer-predisposing syndrome. Last evaluated: 2019-01-28. Review status: criteria provided, single submitter. Criteria: Ambry Variant Classification Scheme 2023. Collection method: clinical testing. Allele origin: germline.

NM_004360.5(CDH1):c.621T>C (p.Ile207=)

Gene: CDH1 (cadherin 1; plus strand). Cytogenetic location: 16q22.1.
Variant type: single nucleotide variant.
Coding change: c.621T>C on transcript NM_004360.5 (MANE Select); coding-DNA position 621, T replaced by C.
Protein change: p.Ile207=; no amino-acid change (isoleucine 207 retained).
Molecular consequence: synonymous variant. On other transcripts: 5 prime UTR variant (2).
Genome position (GRCh38, 1-based): chr16:68,808,782, T>C. VCF-style: chr16-68808782-T-C. GRCh37 (hg19) VCF-style: chr16-68842685-T-C.
Other names: c.621T>C, p.Ile207= (NM_001317184.2); c.-995T>C (NM_001317185.2); c.-1199T>C (NM_001317186.2).
Identifiers: ClinVar variation 826256 (VCV000826256.10), dbSNP rs1597891129, ClinGen allele CA496392398.
Genomic context (GRCh38, chr16:68,808,782, plus strand): 5'-GGTTTTCTACAGCATCACTGGCCAAGGAGCTGACACACCCCCTGTTGGTGTCTTTATTAT[T>C]GAAAGAGAAACAGGATGGCTGAAGGTGACAGAGCCTCTGGATAGAGAACGCATTGCCACA-3'
Protein context (NP_004351.1, residues 197-217): ADTPPVGVFI[Ile207=]ERETGWLKVT